The following is an entry in ClinVar:

ClinVar aggregate classification (germline): Uncertain significance (1 of 4 stars; one submission).

Conditions:
Hereditary diffuse gastric adenocarcinoma (HDGC). Also called: DIFFUSE GASTRIC AND LOBULAR BREAST CANCER SYNDROME. Identifiers: Orphanet 26106, MedGen C1708349, MONDO:0007648, OMIM 137215.

Submission:

Labcorp Genetics (formerly Invitae), Labcorp
Classification: Uncertain significance for Hereditary diffuse gastric adenocarcinoma. Last evaluated: 2022-09-09. Review status: criteria provided, single submitter. Criteria: Invitae Variant Classification Sherloc (09022015). Collection method: clinical testing. Allele origin: germline.
Comment: This variant has not been reported in the literature in individuals affected with CDH1-related conditions. This variant results in a copy number gain of the genomic region encompassing exon(s) 1-13 of the CDH1 gene. This region includes the initiator codon of the gene. This copy number gain extends beyond the assayed region for this gene and therefore may encompass additional genes. As the precise location of this event is unknown, it may be in tandem or it may be located elsewhere in the genome. Experimental studies and prediction algorithms are not available or were not evaluated, and the functional significance of this variant is currently unknown. In summary, the available evidence is currently insufficient to determine the role of this variant in disease. Therefore, it has been classified as a Variant of Uncertain Significance.

NC_000016.9:g.(?_68679283)_(68857549_?)dup

Genes: CDH1 (cadherin 1; plus strand), CDH3 (cadherin 3; plus strand). Cytogenetic location: 16q22.1.
Variant type: Duplication.
Identifiers: ClinVar variation 2425080 (VCV002425080.5).